The following is an entry in ClinVar:

NM_000182.5(HADHA):c.589G>T (p.Ala197Ser)

Gene: HADHA (hydroxyacyl-CoA dehydrogenase trifunctional multienzyme complex subunit alpha; minus strand). Cytogenetic location: 2p23.3.
Variant type: single nucleotide variant.
Coding change: c.589G>T on transcript NM_000182.5 (MANE Select); coding-DNA position 589, G replaced by T.
Protein change: p.Ala197Ser; replaces alanine 197 with serine.
Molecular consequence: missense variant.
Genome position (GRCh38, 1-based): chr2:26,230,279, C>A on the plus strand (G>T on the coding strand, the complement: HADHA is on the minus strand). VCF-style: chr2-26230279-C-A. GRCh37 (hg19) VCF-style: chr2-26453147-C-A.
Other names: short protein forms A197S.
Identifiers: ClinVar variation 536659 (VCV000536659.27), dbSNP rs116320983, ClinGen allele CA1559835.

ClinVar aggregate classification (germline): Conflicting classifications of pathogenicity. Review status: criteria provided, conflicting classifications (1 of 4 stars). 6 submissions from 6 submitters: Uncertain significance (2); Likely benign (3). 1 of the submissions does not count toward it. Last evaluated 2026-01-26.

Conditions:
Long chain 3-hydroxyacyl-CoA dehydrogenase deficiency. Also called: LCHAD Deficiency; Deficiency of long-chain 3-hydroxyacyl-coenzyme A dehydrogenase. Identifiers: Orphanet 5, MedGen C3711645, MONDO:0012173, OMIM 609016.
Mitochondrial trifunctional protein deficiency. Identifiers: Orphanet 746, MedGen C1969443, MONDO:0012172.
HADHA-related disorder. Also called: HADHA-related condition; HADHA-related disorders.

Allele frequency attached by ClinVar (database versions not stated): gnomAD 0.00091 and 0.00093; TOPMed 0.00101; ESP Exome Variant Server 0.00115; 1000 Genomes Project 0.00319; 1000 Genomes Project 30x 0.00390.
gnomAD v4.1: 281 of 1,611,964 alleles (0.017%); highest among the groups gnomAD compares: African/African-American, 0.34%; 1 homozygote.

Submissions (6):

Labcorp Genetics (formerly Invitae), Labcorp
Classification: Likely benign for Mitochondrial trifunctional protein deficiency; Long chain 3-hydroxyacyl-CoA dehydrogenase deficiency. Last evaluated: 2026-01-26. Review status: criteria provided, single submitter. Criteria: Invitae Variant Classification Sherloc (09022015). Collection method: clinical testing. Allele origin: germline.

Blueprint Genetics
Classification: Likely benign. Last evaluated: 2024-03-07. Review status: criteria provided, single submitter. Criteria: ACMG Guidelines, 2015. Collection method: clinical testing. Allele origin: germline.

ARUP Laboratories, Molecular Genetics and Genomics, ARUP Laboratories
Classification: Uncertain significance. Last evaluated: 2023-11-06. Review status: criteria provided, single submitter. Criteria: ARUP Molecular Germline Variant Investigation Process 2024. Collection method: clinical testing. Allele origin: germline.
Comment: The HADHA c.589G>T; p.Ala197Ser variant (rs116320983), to our knowledge, is not reported in the medical literature but is reported in ClinVar (Variation ID: 536659). This variant is found in the African population with an allele frequency of 0.35% (88/24972 alleles) in the Genome Aggregation Database. The alanine at codon 197 is highly conserved, and computational analyses are uncertain whether this variant is neutral or deleterious (REVEL: 0.682). Due to limited information, the clinical significance of this variant is uncertain at this time.

Mayo Clinic Laboratories, Mayo Clinic
Classification: Uncertain significance. Last evaluated: 2023-03-27. Review status: criteria provided, single submitter. Criteria: ACMG Guidelines, 2015. Collection method: clinical testing. Allele origin: germline. Observed: 2 variant alleles.
Comment: BS1

GeneDx
Classification: Likely benign. Last evaluated: 2019-06-26. Review status: criteria provided, single submitter. Criteria: GeneDx Variant Classification Process June 2021. Collection method: clinical testing. Allele origin: germline. Affected: yes.

PreventionGenetics, part of Exact Sciences
Classification: Likely benign for HADHA-related condition. Last evaluated: 2023-03-08. Review status: no assertion criteria provided. Collection method: clinical testing. Allele origin: germline. Not counted in ClinVar's aggregate classification.
Comment: This variant is classified as likely benign based on ACMG/AMP sequence variant interpretation guidelines (Richards et al. 2015 PMID: 25741868, with internal and published modifications).